The following is an entry in ClinVar:

NM_005633.4(SOS1):c.2227G>A (p.Ala743Thr)

Gene: SOS1 (SOS Ras/Rac guanine nucleotide exchange factor 1; minus strand). Cytogenetic location: 2p22.1.
Variant type: single nucleotide variant.
Coding change: c.2227G>A on transcript NM_005633.4 (MANE Select); coding-DNA position 2227, G replaced by A.
Protein change: p.Ala743Thr; replaces alanine 743 with threonine.
Molecular consequence: missense variant.
Genome position (GRCh38, 1-based): chr2:39,012,289, C>T on the plus strand (G>A on the coding strand, the complement: SOS1 is on the minus strand). VCF-style: chr2-39012289-C-T. GRCh37 (hg19) VCF-style: chr2-39239430-C-T.
Other names: c.2206G>A, p.Ala736Thr (NM_001382394.1); c.2227G>A, p.Ala743Thr (NM_001382395.1); short protein forms A736T, A743T.
Identifiers: ClinVar variation 2577062 (VCV002577062.2), dbSNP rs759584440, ClinGen allele CA346364348.

ClinVar aggregate classification (germline): Uncertain significance. Review status: criteria provided, multiple submitters, no conflicts (2 of 4 stars). 2 submissions from 2 submitters: Uncertain significance (2). Last evaluated 2024-01-12.

Conditions:
Cardiovascular phenotype. Identifiers: MedGen CN230736.

gnomAD v4.1: 2 of 1,613,256 alleles (0.00012%); highest among the groups gnomAD compares: Non-Finnish European, 0.00017%; no homozygotes.

Submissions (2):

Ambry Genetics
Classification: Uncertain significance for Cardiovascular phenotype. Last evaluated: 2024-01-12. Review status: criteria provided, single submitter. Criteria: Ambry Variant Classification Scheme 2023. Collection method: clinical testing. Allele origin: germline.
Comment: The p.A743T variant (also known as c.2227G>A), located in coding exon 14 of the SOS1 gene, results from a G to A substitution at nucleotide position 2227. The alanine at codon 743 is replaced by threonine, an amino acid with similar properties. This amino acid position is conserved. In addition, this alteration is predicted to be tolerated by in silico analysis. Since supporting evidence is limited at this time, the clinical significance of this alteration remains unclear.

Women's Health and Genetics/Laboratory Corporation of America, LabCorp
Classification: Uncertain significance. Last evaluated: 2023-07-10. Review status: criteria provided, single submitter. Criteria: LabCorp Variant Classification Summary - May 2015. Collection method: clinical testing. Allele origin: germline.
Comment: Variant summary: SOS1 c.2227G>A (p.Ala743Thr) results in a non-conservative amino acid change in the encoded protein sequence. Three of five in-silico tools predict a benign effect of the variant on protein function. The variant was absent in 251082 control chromosomes. The available data on variant occurrences in the general population are insufficient to allow any conclusion about variant significance. To our knowledge, no occurrence of c.2227G>A in individuals affected with Noonan Syndrome and no experimental evidence demonstrating its impact on protein function have been reported. No submitters have cited clinical-significance assessments for this variant to ClinVar after 2014. Based on the evidence outlined above, the variant was classified as uncertain significance.